The following is an entry in ClinVar:

NM_000268.4(NF2):c.208G>C (p.Asp70His)

Gene: NF2 (NF2, moesin-ezrin-radixin like (MERLIN) tumor suppressor; plus strand). Cytogenetic location: 22q12.2.
Variant type: single nucleotide variant.
Coding change: c.208G>C on transcript NM_000268.4 (MANE Select); coding-DNA position 208, G replaced by C.
Protein change: p.Asp70His; replaces aspartic acid 70 with histidine.
Molecular consequence: missense variant. On other transcripts: non-coding transcript variant (1), intron variant (3).
Genome position (GRCh38, 1-based): chr22:29,636,844, G>C. VCF-style: chr22-29636844-G-C. GRCh37 (hg19) VCF-style: chr22-30032833-G-C.
Other names: c.208G>C, p.Asp70His (NM_016418.5, NM_181825.3, NM_181829.3 and 2 more transcripts); c.115-2246G>C (NM_181828.3); c.115-5358G>C (NM_181830.3, NM_181831.3); c.208G>C (NM_000268.3); short protein forms D70H.
Identifiers: ClinVar variation 1044974 (VCV001044974.10), dbSNP rs559558673, ClinGen allele CA411152610.

ClinVar aggregate classification (germline): Uncertain significance. Review status: criteria provided, multiple submitters, no conflicts (2 of 4 stars). 2 submissions from 2 submitters: Uncertain significance (2). Last evaluated 2025-04-01.

Conditions:
Hereditary cancer-predisposing syndrome. Also called: Neoplastic Syndromes, Hereditary; Hereditary Cancer Syndrome; Hereditary neoplastic syndrome; Tumor predisposition. Identifiers: Orphanet 140162, MedGen C0027672, MeSH D009386, MONDO:0015356.
Neurofibromatosis, type 2 (SWNV). Also called: BILATERAL ACOUSTIC NEUROFIBROMATOSIS; NF2-Related Schwannomatosis; SCHWANNOMATOSIS, VESTIBULAR. Identifiers: Orphanet 637, MedGen C0027832, MONDO:0007039, OMIM 101000. Disease mechanism: loss of function.

Submissions (2):

Ambry Genetics
Classification: Uncertain significance for Hereditary cancer-predisposing syndrome. Last evaluated: 2025-04-01. Review status: criteria provided, single submitter. Criteria: Ambry Variant Classification Scheme 2023. Collection method: clinical testing. Allele origin: germline.
Comment: The p.D70H variant (also known as c.208G>C), located in coding exon 2 of the NF2 gene, results from a G to C substitution at nucleotide position 208. The aspartic acid at codon 70 is replaced by histidine, an amino acid with similar properties. This amino acid position is conserved. In addition, the in silico prediction for this alteration is inconclusive. Based on the available evidence, the clinical significance of this variant remains unclear.

Labcorp Genetics (formerly Invitae), Labcorp
Classification: Uncertain significance for Neurofibromatosis, type 2. Last evaluated: 2020-03-04. Review status: criteria provided, single submitter. Criteria: Invitae Variant Classification Sherloc (09022015). Collection method: clinical testing. Allele origin: germline.
Comment: This sequence change replaces aspartic acid with histidine at codon 70 of the NF2 protein (p.Asp70His). The aspartic acid residue is highly conserved and there is a moderate physicochemical difference between aspartic acid and histidine. This variant is not present in population databases (ExAC no frequency). This variant has not been reported in the literature in individuals with NF2-related conditions. Algorithms developed to predict the effect of missense changes on protein structure and function are either unavailable or do not agree on the potential impact of this missense change (SIFT: "Deleterious"; PolyPhen-2: "Possibly Damaging"; Align-GVGD: "Class C15"). In summary, the available evidence is currently insufficient to determine the role of this variant in disease. Therefore, it has been classified as a Variant of Uncertain Significance.